The following is an entry in ClinVar:

ClinVar aggregate classification (germline): Uncertain significance. Review status: criteria provided, multiple submitters, no conflicts (2 of 4 stars). 2 submissions from 2 submitters: Uncertain significance (2). Last evaluated 2024-12-06.

Conditions:
Hereditary cancer-predisposing syndrome. Also called: Hereditary neoplastic syndrome; Neoplastic Syndromes, Hereditary; Tumor predisposition; Hereditary Cancer Syndrome. Identifiers: Orphanet 140162, MedGen C0027672, MeSH D009386, MONDO:0015356.

Submissions (2):

Ambry Genetics
Classification: Uncertain significance for Hereditary cancer-predisposing syndrome. Last evaluated: 2024-12-06. Review status: criteria provided, single submitter. Criteria: Ambry Variant Classification Scheme 2023. Collection method: clinical testing. Allele origin: germline.
Comment: The p.M199K variant (also known as c.596T>A), located in coding exon 3 of the XRCC2 gene, results from a T to A substitution at nucleotide position 596. The methionine at codon 199 is replaced by lysine, an amino acid with similar properties. This amino acid position is conserved. In addition, the in silico prediction for this alteration is inconclusive. Based on the available evidence, the clinical significance of this variant remains unclear.

GeneDx
Classification: Uncertain significance. Last evaluated: 2016-03-03. Review status: criteria provided, single submitter. Criteria: GeneDx Variant Classification (06012015). Collection method: clinical testing. Allele origin: germline. Affected: yes.
Comment: This variant is denoted XRCC2 c.596T>A at the cDNA level, p.Met199Lys (M199K) at the protein level, and results in the change of a Methionine to a Lysine (ATG>AAG). This variant has not, to our knowledge, been published in the literature as pathogenic or benign. XRCC2 Met199Lys was not observed in approximately 6,500 individuals of European and African American ancestry in the NHLBI Exome Sequencing Project, suggesting it is not a common benign variant in these populations. Since Methionine and Lysine differ in polarity, charge, size or other properties, this is considered a non-conservative amino acid substitution. XRCC2 Met199Lys occurs at a position where amino acids with properties similar to Methionine are tolerated across species and is located within the ATPase domain (Kim 2011). In silico analyses are inconsistent regarding the effect this variant may have on protein structure and function. Based on currently available evidence, it is unclear whether XRCC2 Met199Lys is a pathogenic or benign variant. We consider it to be a variant of uncertain significance.

NM_005431.2(XRCC2):c.596T>A (p.Met199Lys)

Gene: XRCC2 (X-ray repair cross complementing 2; minus strand). Cytogenetic location: 7q36.1.
Variant type: single nucleotide variant.
Coding change: c.596T>A on transcript NM_005431.2 (MANE Select); coding-DNA position 596, T replaced by A.
Protein change: p.Met199Lys; replaces methionine 199 with lysine.
Molecular consequence: missense variant.
Genome position (GRCh38, 1-based): chr7:152,648,889, A>T on the plus strand (T>A on the coding strand, the complement: XRCC2 is on the minus strand). VCF-style: chr7-152648889-A-T. GRCh37 (hg19) VCF-style: chr7-152345974-A-T.
Other names: short protein forms M199K.
Identifiers: ClinVar variation 246469 (VCV000246469.3), dbSNP rs149099078, ClinGen allele CA10584277.